The following is an entry in ClinVar:

NM_001127644.2(GABRA1):c.212A>G (p.Asp71Gly)

Gene: GABRA1 (gamma-aminobutyric acid type A receptor subunit alpha1; plus strand). Cytogenetic location: 5q34.
Variant type: single nucleotide variant.
Coding change: c.212A>G on transcript NM_001127644.2 (MANE Select); coding-DNA position 212, A replaced by G.
Protein change: p.Asp71Gly; replaces aspartic acid 71 with glycine.
Molecular consequence: missense variant.
Genome position (GRCh38, 1-based): chr5:161,865,745, A>G. VCF-style: chr5-161865745-A-G. GRCh37 (hg19) VCF-style: chr5-161292751-A-G.
Other names: c.212A>G, p.Asp71Gly (NM_000806.5, NM_001127643.2, NM_001127645.2 and 1 more transcripts); short protein forms D71G.
Identifiers: ClinVar variation 3753865 (VCV003753865.2).

ClinVar aggregate classification (germline): Uncertain significance (1 of 4 stars; one submission).

Conditions:
Epilepsy, idiopathic generalized, susceptibility to, 13. Also called: EPILEPSY, JUVENILE MYOCLONIC, SUSCEPTIBILITY TO, 5. Identifiers: Orphanet 307, Orphanet 64280, MedGen C4013473, MONDO:0012627, OMIM 611136.
Epilepsy, childhood absence 4 (ECA4). Also called: EPILEPSY, CHILDHOOD ABSENCE, SUSCEPTIBILITY TO, 4. Identifiers: Orphanet 307, MedGen C1970160.
Idiopathic generalized epilepsy. Also called: EIG; Generalised epilepsy. Identifiers: MedGen C0270850, MONDO:0005579, OMIM 600669.

Submission:

Labcorp Genetics (formerly Invitae), Labcorp
Classification: Uncertain significance for Epilepsy, childhood absence 4; Epilepsy, idiopathic generalized, susceptibility to, 13; Idiopathic generalized epilepsy. Last evaluated: 2024-04-17. Review status: criteria provided, single submitter. Criteria: Invitae Variant Classification Sherloc (09022015). Collection method: clinical testing. Allele origin: germline.
Comment: This sequence change replaces aspartic acid, which is acidic and polar, with glycine, which is neutral and non-polar, at codon 71 of the GABRA1 protein (p.Asp71Gly). This variant is not present in population databases (gnomAD no frequency). This variant has not been reported in the literature in individuals affected with GABRA1-related conditions. Advanced modeling of protein sequence and biophysical properties (such as structural, functional, and spatial information, amino acid conservation, physicochemical variation, residue mobility, and thermodynamic stability) has been performed at Invitae for this missense variant, however the output from this modeling did not meet the statistical confidence thresholds required to predict the impact of this variant on GABRA1 protein function. In summary, the available evidence is currently insufficient to determine the role of this variant in disease. Therefore, it has been classified as a Variant of Uncertain Significance.